The following is an entry in ClinVar:

ClinVar aggregate classification (germline): Uncertain significance. Review status: criteria provided, multiple submitters, no conflicts (2 of 4 stars). 2 submissions from 2 submitters: Uncertain significance (2). Last evaluated 2024-08-06.

Conditions:
Inborn genetic diseases. Identifiers: MedGen C0950123, MeSH D030342.

Allele frequency attached by ClinVar (database versions not stated): ExAC 0.00001; gnomAD 0.00001; TOPMed 0.00001.
gnomAD v4.1: 5 of 1,612,164 alleles (0.00031%); highest among the groups gnomAD compares: South Asian, 0.0022%; no homozygotes.

Submissions (2):

Labcorp Genetics (formerly Invitae), Labcorp
Classification: Uncertain significance. Last evaluated: 2024-08-06. Review status: criteria provided, single submitter. Criteria: Invitae Variant Classification Sherloc (09022015). Collection method: clinical testing. Allele origin: germline.
Comment: This sequence change replaces aspartic acid, which is acidic and polar, with glutamic acid, which is acidic and polar, at codon 2010 of the COL7A1 protein (p.Asp2010Glu). The frequency data for this variant in the population databases is considered unreliable, as metrics indicate poor data quality at this position in the gnomAD database. This variant has not been reported in the literature in individuals affected with COL7A1-related conditions. ClinVar contains an entry for this variant (Variation ID: 2472815). Advanced modeling of protein sequence and biophysical properties (such as structural, functional, and spatial information, amino acid conservation, physicochemical variation, residue mobility, and thermodynamic stability) performed at Invitae indicates that this missense variant is not expected to disrupt COL7A1 protein function with a negative predictive value of 95%. In summary, the available evidence is currently insufficient to determine the role of this variant in disease. Therefore, it has been classified as a Variant of Uncertain Significance.

Ambry Genetics
Classification: Uncertain significance for Inborn genetic diseases. Last evaluated: 2023-02-23. Review status: criteria provided, single submitter. Criteria: Ambry Variant Classification Scheme 2023. Collection method: clinical testing. Allele origin: germline.

NM_000094.4(COL7A1):c.6030C>A (p.Asp2010Glu)

Gene: COL7A1 (collagen type VII alpha 1 chain; minus strand). Cytogenetic location: 3p21.31.
Variant type: single nucleotide variant.
Coding change: c.6030C>A on transcript NM_000094.4 (MANE Select); coding-DNA position 6030, C replaced by A.
Protein change: p.Asp2010Glu; replaces aspartic acid 2010 with glutamic acid.
Molecular consequence: missense variant.
Genome position (GRCh38, 1-based): chr3:48,575,489, G>T on the plus strand (C>A on the coding strand, the complement: COL7A1 is on the minus strand). VCF-style: chr3-48575489-G-T. GRCh37 (hg19) VCF-style: chr3-48612922-G-T.
Other names: short protein forms D2010E.
Identifiers: ClinVar variation 2472815 (VCV002472815.4), dbSNP rs764023236, ClinGen allele CA2379208.